The following is an entry in ClinVar:

ClinVar aggregate classification (germline): Pathogenic/Likely pathogenic. Review status: criteria provided, multiple submitters, no conflicts (2 of 4 stars). 2 submissions from 2 submitters: Pathogenic (1); Likely pathogenic (1). Last evaluated 2025-05-19.

Conditions:
Alport syndrome. Also called: Hemorrhagic familial nephritis; Hemorrhagic hereditary nephritis; Congenital hereditary hematuria. Identifiers: Orphanet 63, MedGen C1567741, MONDO:0018965.

Allele frequency attached by ClinVar (database versions not stated): TOPMed 0.00001.

Submissions (2):

Natera, Inc.
Classification: Likely pathogenic for Alport syndrome. Last evaluated: 2025-05-19. Review status: criteria provided, single submitter. Criteria: Natera Variant Classification Schema (03/2026). Collection method: clinical testing. Allele origin: germline.
Comment: The c.3566-2A>G variant in COL4A3 is a canonical splice acceptor site variant predicted to affect pre-mRNA splicing, which may result in an abnormal transcript and altered protein product. This variant is expected to result in nonsense mediated decay, truncation, or a dysfunctional protein product. This variant is rare in the general population with a frequency below the threshold expected for the associated phenotype(s). Given the available evidence, this variant is classified as Likely Pathogenic.

Labcorp Genetics (formerly Invitae), Labcorp
Classification: Pathogenic. Last evaluated: 2020-12-09. Review status: criteria provided, single submitter. Criteria: Invitae Variant Classification Sherloc (09022015). Collection method: clinical testing. Allele origin: germline.
Comment: For these reasons, this variant has been classified as Pathogenic. Algorithms developed to predict the effect of sequence changes on RNA splicing suggest that this variant may disrupt the consensus splice site, but this prediction has not been confirmed by published transcriptional studies. Disruption of this splice site has been observed in individual(s) affected with autosomal recessive Alport syndrome (PMID: 24854265, Invitae). In at least one individual the data is consistent with the variant being in trans (on the opposite chromosome) from a pathogenic variant. ClinVar contains an entry for this variant (Variation ID: 967246). This variant is not present in population databases (ExAC no frequency). This sequence change affects an acceptor splice site in intron 41 of the COL4A3 gene. It is expected to disrupt RNA splicing. Variants that disrupt the donor or acceptor splice site typically lead to a loss of protein function (PMID: 16199547), and loss-of-function variants in COL4A3 are known to be pathogenic (PMID: 8956999, 24854265, 26809805, 27281700).

Literature cited by the submitters: PubMed 24854265 (cited by Labcorp Genetics (formerly Invitae), Labcorp); PubMed 16199547 (cited by Labcorp Genetics (formerly Invitae), Labcorp); PubMed 8956999 (cited by Labcorp Genetics (formerly Invitae), Labcorp); PubMed 26809805 (cited by Labcorp Genetics (formerly Invitae), Labcorp); PubMed 27281700 (cited by Labcorp Genetics (formerly Invitae), Labcorp).

NM_000091.5(COL4A3):c.3566-2A>G

Genes: COL4A3 (collagen type IV alpha 3 chain; plus strand), MFF-DT (MFF divergent transcript; minus strand). Cytogenetic location: 2q36.3.
Variant type: single nucleotide variant.
Coding change: c.3566-2A>G on transcript NM_000091.5 (MANE Select); the canonical splice acceptor site of the intron before coding-DNA position 3566, A replaced by G.
Molecular consequence: splice acceptor variant.
Genome position (GRCh38, 1-based): chr2:227,297,672, A>G. VCF-style: chr2-227297672-A-G. GRCh37 (hg19) VCF-style: chr2-228162388-A-G.
Identifiers: ClinVar variation 967246 (VCV000967246.12), dbSNP rs1055753755, ClinGen allele CA66610365.
Genomic context (GRCh38, chr2:227,297,672, plus strand): 5'-TCAAGAACTCTAACCCAAGCATATGGGCATTAAAGAAACTTATTAAGCCTTCTTCTTTGC[A>G]GGAGCCAAAGGAGACAGGGGAGCCCCAGGTTTTCCTGGCCTCCCGGGCAGAAAAGGGGCC-3'